The following is an entry in ClinVar:

ClinVar aggregate classification (germline): Uncertain significance (1 of 4 stars; one submission).

Conditions:
MYH6-related disorder. Also called: MYH6-related condition; MYH6-Related Disorders.

gnomAD v4.1: 1 of 1,613,952 alleles (0.000062%); highest among the groups gnomAD compares: Admixed American, 0.0017%; no homozygotes.

Submission:

PreventionGenetics, part of Exact Sciences
Classification: Uncertain significance for MYH6-related condition. Last evaluated: 2025-12-02. Review status: criteria provided, single submitter. Criteria: ACMG Guidelines, 2015. Collection method: clinical testing. Allele origin: germline.
Comment: The MYH6 c.3733-2A>T variant is predicted to disrupt the AG splice acceptor site and interfere with normal splicing. To our knowledge, this variant has not been reported in the literature or in a large population database (gnomAD), indicating this variant is rare. Loss-of-function has not been conclusively established as a mechanism for MYH6-related disorders. At this time, the clinical significance of this variant is uncertain due to the absence of conclusive functional and genetic evidence.

NM_002471.4(MYH6):c.3733-2A>T

Gene: MYH6 (myosin heavy chain 6; minus strand). Cytogenetic location: 14q11.2.
Variant type: single nucleotide variant.
Coding change: c.3733-2A>T on transcript NM_002471.4 (MANE Select); the canonical splice acceptor site of the intron before coding-DNA position 3733, A replaced by T.
Molecular consequence: splice acceptor variant.
Genome position (GRCh38, 1-based): chr14:23,389,721, T>A on the plus strand (A>T on the coding strand, the complement: MYH6 is on the minus strand). VCF-style: chr14-23389721-T-A. GRCh37 (hg19) VCF-style: chr14-23858930-T-A.
Identifiers: ClinVar variation 4994554 (VCV004994554.1).